The following is an entry in ClinVar:

ClinVar aggregate classification (germline): Uncertain significance. Review status: criteria provided, multiple submitters, no conflicts (2 of 4 stars). 2 submissions from 2 submitters: Uncertain significance (2). Last evaluated 2024-07-01.

Conditions:
Duchenne muscular dystrophy (DMD). Also called: Duchenne Muscular Dystrophy (DMD); MUSCULAR DYSTROPHY, PSEUDOHYPERTROPHIC PROGRESSIVE, DUCHENNE TYPE. Identifiers: Orphanet 98896, MedGen C0013264, MONDO:0010679, OMIM 310200.

gnomAD v4.1: 8 of 1,197,409 alleles (0.00067%); highest among the groups gnomAD compares: Non-Finnish European, 0.00079%; no homozygotes.

Submissions (2):

CeGaT Center for Human Genetics Tuebingen
Classification: Uncertain significance. Last evaluated: 2024-07-01. Review status: criteria provided, single submitter. Criteria: CeGaT Center For Human Genetics Tuebingen Variant Classification Criteria Version 2. Collection method: clinical testing. Allele origin: germline. Affected: yes. Observed: 1 variant allele.
Comment: DMD: PM2

Labcorp Genetics (formerly Invitae), Labcorp
Classification: Uncertain significance for Duchenne muscular dystrophy. Last evaluated: 2021-08-31. Review status: criteria provided, single submitter. Criteria: Invitae Variant Classification Sherloc (09022015). Collection method: clinical testing. Allele origin: germline.
Comment: This variant has not been reported in the literature in individuals affected with DMD-related conditions. This variant is not present in population databases (ExAC no frequency). In summary, the available evidence is currently insufficient to determine the role of this variant in disease. Therefore, it has been classified as a Variant of Uncertain Significance. Algorithms developed to predict the effect of missense changes on protein structure and function (SIFT, PolyPhen-2, Align-GVGD) all suggest that this variant is likely to be tolerated. ClinVar contains an entry for this variant (Variation ID: 583255). This sequence change replaces methionine with threonine at codon 3685 of the DMD protein (p.Met3685Thr). The methionine residue is moderately conserved and there is a moderate physicochemical difference between methionine and threonine.

NM_004006.3(DMD):c.11054T>C (p.Met3685Thr)

Gene: DMD (dystrophin; minus strand). Cytogenetic location: Xp21.2.
Variant type: single nucleotide variant.
Coding change: c.11054T>C on transcript NM_004006.3 (MANE Select); coding-DNA position 11054, T replaced by C.
Protein change: p.Met3685Thr; replaces methionine 3685 with threonine.
Molecular consequence: missense variant. On other transcripts: synonymous variant (5).
Genome position (GRCh38, 1-based): chrX:31,121,923, A>G on the plus strand (T>C on the coding strand, the complement: DMD is on the minus strand). VCF-style: chrX-31121923-A-G. GRCh37 (hg19) VCF-style: chrX-31140040-A-G.
Other names: c.11030T>C, p.Met3677Thr (NM_000109.4); c.11042T>C, p.Met3681Thr (NM_004009.3); c.10685T>C, p.Met3562Thr (NM_004010.3); c.7031T>C, p.Met2344Thr (NM_004011.4); c.7022T>C, p.Met2341Thr (NM_004012.4); c.3674T>C, p.Met1225Thr (NM_004013.3); c.2867T>C, p.Met956Thr (NM_004014.3); c.1850T>C, p.Met617Thr (NM_004015.3); and 7 more; short protein forms M3685T, M1225T, M2344T, M3562T, M3677T, M1115T, M3681T, M617T.
Identifiers: ClinVar variation 583255 (VCV000583255.26), dbSNP rs1464917165, ClinGen allele CA412654904.
Genomic context (GRCh38, chrX:31,121,923, plus strand): 5'-TGATACTAAGGACTCCATCGCTCTGCCCAAATCATCTGCCATGTGGAAAAGACTTCCTAC[A>G]TTGTGTCCTGGAAAACAAAGAGAAAGAAAGACAGACTTTACAAAAGGTGCAGATAGATAG-3'
Protein context (NP_003997.2, residues 3675-3685): TPGKPMREDT[Met3685Thr]